The following is an entry in ClinVar:

ClinVar aggregate classification (germline): Uncertain significance (1 of 4 stars; one submission).

Conditions:
Pyruvate kinase deficiency of red cells (CNSHA2). Also called: Pyruvate kinase deficiency, Amish type; PK DEFICIENCY; PYRUVATE KINASE DEFICIENCY OF ERYTHROCYTE. Identifiers: Orphanet 766, MedGen C0340968, MONDO:0009950, OMIM 266200.

Submission:

3billion
Classification: Uncertain significance for Pyruvate kinase deficiency of red cells. Last evaluated: 2022-05-22. Review status: criteria provided, single submitter. Criteria: ACMG Guidelines, 2015. Collection method: clinical testing. Allele origin: germline. Affected: yes. Observed: 1 heterozygote.
Comment: The variant is not observed in the gnomAD v2.1.1 dataset. Missense changes are a common disease-causing mechanism. In silico tool predictions suggest damaging effect of the variant on gene or gene product (REVEL: 0.86; 3Cnet: 0.54). Therefore, this variant is classified as uncertain significanceaccording to the recommendation of ACMG/AMP guideline.

NM_000298.6(PKLR):c.1061A>G (p.Lys354Arg)

Gene: PKLR (pyruvate kinase L/R; minus strand). Cytogenetic location: 1q22.
Variant type: single nucleotide variant.
Coding change: c.1061A>G on transcript NM_000298.6 (MANE Select); coding-DNA position 1061, A replaced by G.
Protein change: p.Lys354Arg; replaces lysine 354 with arginine.
Molecular consequence: missense variant.
Genome position (GRCh38, 1-based): chr1:155,294,290, T>C on the plus strand (A>G on the coding strand, the complement: PKLR is on the minus strand). VCF-style: chr1-155294290-T-C. GRCh37 (hg19) VCF-style: chr1-155264081-T-C.
Other names: c.968A>G, p.Lys323Arg (NM_181871.4); short protein forms K323R, K354R.
Identifiers: ClinVar variation 1687614 (VCV001687614.1), dbSNP rs2148204121, ClinGen allele CA342753388.